The following is an entry in ClinVar:

NM_133379.5(TTN):c.10646G>A (p.Arg3549His)

Gene: TTN (titin; minus strand). Cytogenetic location: 2q31.2.
Variant type: single nucleotide variant.
Coding change: c.10646G>A on transcript NM_133379.5; coding-DNA position 10646, G replaced by A.
Protein change: p.Arg3549His; replaces arginine 3549 with histidine.
Molecular consequence: missense variant. On other transcripts: intron variant (6).
Genome position (GRCh38, 1-based): chr2:178,751,754, C>T on the plus strand (G>A on the coding strand, the complement: TTN is on the minus strand). VCF-style: chr2-178751754-C-T. GRCh37 (hg19) VCF-style: chr2-179616481-C-T.
Other names: p.R3549H:CGT>CAT; c.10360+1370G>A (NM_133378.4, NM_001256850.1); c.10222+1370G>A (NM_003319.4); c.10798+1370G>A (NM_133437.4); c.10597+1370G>A (NM_133432.3); c.11311+1370G>A (NM_001267550.2); c.10646G>A (NM_133379.4); short protein forms R3549H.
Identifiers: ClinVar variation 192179 (VCV000192179.39), dbSNP rs148115514, ClinGen allele CA302637.

ClinVar aggregate classification (germline): Conflicting classifications of pathogenicity. Review status: criteria provided, conflicting classifications (1 of 4 stars). 9 submissions from 9 submitters: Uncertain significance (1); Benign (1); Likely benign (4). 3 of the submissions do not count toward it. Last evaluated 2025-04-09.

Allele frequency attached by ClinVar (database versions not stated): 1000 Genomes Project 30x 0.00031; ESP Exome Variant Server 0.00031; TOPMed 0.00035; gnomAD 0.00036 and 0.00040; 1000 Genomes Project 0.00040.
gnomAD v4.1: 566 of 1,613,094 alleles (0.035%); highest among the groups gnomAD compares: South Asian, 0.13%; 2 homozygotes.

Submissions (9):

Molecular Diagnostic Laboratory for Inherited Cardiovascular Disease, Montreal Heart Institute
Classification: Likely benign. Last evaluated: 2025-04-09. Review status: criteria provided, single submitter. Criteria: ACMG Guidelines, 2015. Collection method: clinical testing. Allele origin: germline. Affected: no.
Comment: BP1;BP6

CeGaT Center for Human Genetics Tuebingen
Classification: Likely benign. Last evaluated: 2025-04-01. Review status: criteria provided, single submitter. Criteria: CeGaT Center For Human Genetics Tuebingen Variant Classification Criteria Version 2. Collection method: clinical testing. Allele origin: germline. Affected: yes. Observed: 18 variant alleles.
Comment: TTN: BP4

Blueprint Genetics
Classification: Likely benign. Last evaluated: 2024-11-25. Review status: criteria provided, single submitter. Criteria: ACMG Guidelines, 2015. Collection method: clinical testing. Allele origin: germline.

Eurofins Ntd Llc (ga)
Classification: Benign. Last evaluated: 2017-07-03. Review status: criteria provided, single submitter. Criteria: EGL Classification Definitions 2015. Collection method: clinical testing. Allele origin: germline. Observed: 1 variant allele, 1 heterozygote.

Laboratory for Molecular Medicine, Mass General Brigham Personalized Medicine
Classification: Uncertain significance. Last evaluated: 2015-06-09. Review status: criteria provided, single submitter. Criteria: LMM Criteria. Collection method: clinical testing. Allele origin: germline. Observed: 1 variant allele.
Comment: The p.Arg3549His variant in TTN has not been previously reported in individuals with cardiomyopathy, but has been identified in 46/66562 European chromosomes an d 26/16478 South Asian chromosomes by the Exome Aggregation Consortium (ExAC; dbSNP rs148115514). Computational prediction tools and conservation analysis are limited or unavailable for this variant. In summ ary, the clinical significance of the p.Arg3549His variant is uncertain.

Biesecker Lab/Clinical Genomics Section, National Institutes of Health
Classification: Likely benign. Last evaluated: 2013-06-24. Review status: criteria provided, single submitter. Criteria: Ng et al. (Circ Cardiovasc Genet. 2013). Collection method: research. Allele origin: unknown. Observed: 2 variant alleles. Study: ClinSeq.
Comment: The study set was not selected for affection status in relation to any cancer. Pathogenicity categories were based on literature curation. See Pubmed ID:23861362 for details.

Medical sequencing

GeneDx
No classification provided. Last evaluated: 2014-08-01. Review status: no classification provided. Criteria: GeneDx Variant Classification (06012015). Collection method: clinical testing. Allele origin: germline. Affected: yes. Not counted in ClinVar's aggregate classification.
Comment: Missense variants in the TTN gene are considered 'unclassified' if they are not previously reported in the literature and do not have >1% frequency in the population to be considered a polymorphism. Research indicates that truncating mutations in the TTN gene are expected to account for approximately 25% of familial and 18% of sporadic idiopathic DCM; however, truncating variants in the TTN gene have been reported in approximately 3% of reported control alleles. There has been little investigation into non-truncating variants. (Herman D et al. Truncations of titin causing dilated cardiomyopathy. N Eng J Med 366:619-628, 2012) The variant is found in DCM-CRDM panel(s).

Clinical Genetics DNA and cytogenetics Diagnostics Lab, Erasmus MC, Erasmus Medical Center
Classification: Likely benign. Review status: no assertion criteria provided. Collection method: clinical testing. Allele origin: germline. Affected: yes. Study: VKGL Data-share Consensus. Not counted in ClinVar's aggregate classification.

Clinical Genetics, Academic Medical Center
Classification: Likely benign. Review status: no assertion criteria provided. Collection method: clinical testing. Allele origin: germline. Affected: yes. Study: VKGL Data-share Consensus. Not counted in ClinVar's aggregate classification.